The following is an entry in ClinVar:

ClinVar aggregate classification (germline): Benign. Review status: criteria provided, multiple submitters, no conflicts (2 of 4 stars). 2 submissions from 2 submitters: Benign (2). Last evaluated 2018-06-14.

Allele frequency attached by ClinVar (database versions not stated): gnomAD exomes 0.34646; gnomAD 0.39294 and 0.40361; TOPMed 0.42601; 1000 Genomes Project 30x 0.61071; 1000 Genomes Project 0.61142.
gnomAD v4.1: 246,702 of 686,732 alleles (36%); highest among the groups gnomAD compares: East Asian, 98%; 57,830 homozygotes.

Submissions (2):

GeneDx
Classification: Benign. Last evaluated: 2018-06-14. Review status: criteria provided, single submitter. Criteria: GeneDx Variant Classification (06012015). Collection method: clinical testing. Allele origin: germline. Affected: yes.
Comment: This variant is considered likely benign or benign based on one or more of the following criteria: it is a conservative change, it occurs at a poorly conserved position in the protein, it is predicted to be benign by multiple in silico algorithms, and/or has population frequency not consistent with disease.

Breakthrough Genomics
Classification: Benign. Review status: criteria provided, single submitter. Criteria: ACMG Guidelines, 2015. Collection method: not provided. Allele origin: germline. Inheritance: Autosomal recessive inheritance. Affected: yes.

NM_001457.4(FLNB):c.4223-152A>G

Gene: FLNB (filamin B; plus strand). Cytogenetic location: 3p14.3.
Variant type: single nucleotide variant.
Coding change: c.4223-152A>G on transcript NM_001457.4 (MANE Select); 152 bases into the intron before coding-DNA position 4223, A replaced by G.
Molecular consequence: intron variant.
Genome position (GRCh38, 1-based): chr3:58,130,589, A>G. VCF-style: chr3-58130589-A-G. GRCh37 (hg19) VCF-style: chr3-58116316-A-G.
Other names: c.4223-152A>G (NM_001164317.2, NM_001164318.2, NM_001164319.2).
Identifiers: ClinVar variation 671102 (VCV000671102.2), dbSNP rs1573890, ClinGen allele CA16143698.